The following is an entry in ClinVar:

ClinVar aggregate classification (germline): Pathogenic (1 of 4 stars; one submission).

Conditions:
Exostoses, multiple, type 2 (EXT2). Also called: Hereditary Multiple Osteochondromatosis, Type II; EXOSTOSES, MULTIPLE, TYPE II. Identifiers: Orphanet 321, MedGen C1851413, MONDO:0007586, OMIM 133701.

Submission:

Labcorp Genetics (formerly Invitae), Labcorp
Classification: Pathogenic for Exostoses, multiple, type 2. Last evaluated: 2019-05-23. Review status: criteria provided, single submitter. Criteria: Invitae Variant Classification Sherloc (09022015). Collection method: clinical testing. Allele origin: germline.
Comment: This sequence change creates a premature translational stop signal (p.Arg86Thrfs*24) in the EXT2 gene. It is expected to result in an absent or disrupted protein product. This variant is not present in population databases (ExAC no frequency). Loss-of-function variants in EXT2 are known to be pathogenic (PMID: 10679937, 19810120). For these reasons, this variant has been classified as Pathogenic.

Literature cited by the submitters: PubMed 10679937; PubMed 19810120.

NM_207122.2(EXT2):c.257_263del (p.Arg86fs)

Gene: EXT2 (exostosin glycosyltransferase 2; plus strand). Cytogenetic location: 11p11.2.
Variant type: Deletion.
Coding change: c.257_263del on transcript NM_207122.2 (MANE Select); coding-DNA positions 257 to 263, 7 bases deleted (GAATGCA; older notation c.257_263delGAATGCA).
Protein change: p.Arg86fs; shifts the reading frame from arginine 86.
Molecular consequence: frameshift variant.
Genome position (GRCh38, 1-based): chr11:44,107,969-44,107,975, GAATGCA deleted; deleting any 7 consecutive bases within chr11:44,107,965-44,107,975 gives the same sequence; the c. name uses the placement nearest the transcript's 3' end. VCF-style (leftmost placement, unchanged base first): chr11-44107964-TTGCAGAA-T. GRCh37 (hg19) VCF-style: chr11-44129514-TTGCAGAA-T.
Other names: c.356_362del, p.Arg119fs (NM_000401.3); c.257_263del, p.Arg86fs (NM_001178083.3, NM_001389628.1, NM_001389630.1); short protein forms R119fs, R86fs.
Identifiers: ClinVar variation 948192 (VCV000948192.10), dbSNP rs1954082764, ClinGen allele CA1139661915.